The following is an entry in ClinVar:

ClinVar aggregate classification (germline): Uncertain significance (1 of 4 stars; one submission).

Submission:

Labcorp Genetics (formerly Invitae), Labcorp
Classification: Uncertain significance. Last evaluated: 2023-03-08. Review status: criteria provided, single submitter. Criteria: Invitae Variant Classification Sherloc (09022015). Collection method: clinical testing. Allele origin: germline.
Comment: In summary, the available evidence is currently insufficient to determine the role of this variant in disease. Therefore, it has been classified as a Variant of Uncertain Significance. Experimental studies and prediction algorithms are not available or were not evaluated, and the functional significance of this variant is currently unknown. ClinVar contains an entry for this variant (Variation ID: 1714493). This variant has not been reported in the literature in individuals affected with PCLO-related conditions. This variant is not present in population databases (gnomAD no frequency). This sequence change replaces proline, which is neutral and non-polar, with arginine, which is basic and polar, at codon 3182 of the PCLO protein (p.Pro3182Arg).

NM_033026.6(PCLO):c.9545C>G (p.Pro3182Arg)

Gene: PCLO (piccolo presynaptic cytomatrix protein; minus strand). Cytogenetic location: 7q21.11.
Variant type: single nucleotide variant.
Coding change: c.9545C>G on transcript NM_033026.6 (MANE Select); coding-DNA position 9545, C replaced by G.
Protein change: p.Pro3182Arg; replaces proline 3182 with arginine.
Molecular consequence: missense variant.
Genome position (GRCh38, 1-based): chr7:82,951,043, G>C on the plus strand (C>G on the coding strand, the complement: PCLO is on the minus strand). VCF-style: chr7-82951043-G-C. GRCh37 (hg19) VCF-style: chr7-82580359-G-C.
Other names: c.9545C>G, p.Pro3182Arg (NM_014510.3); short protein forms P3182R.
Identifiers: ClinVar variation 1714493 (VCV001714493.5), dbSNP rs2535680197, ClinGen allele CA367908097.